The following is an entry in ClinVar:

NM_000551.4(VHL):c.118C>G (p.Pro40Ala)

Gene: VHL (von Hippel-Lindau tumor suppressor; plus strand). Cytogenetic location: 3p25.3.
Variant type: single nucleotide variant.
Coding change: c.118C>G on transcript NM_000551.4 (MANE Select); coding-DNA position 118, C replaced by G.
Protein change: p.Pro40Ala; replaces proline 40 with alanine.
Molecular consequence: missense variant.
Genome position (GRCh38, 1-based): chr3:10,141,965, C>G. VCF-style: chr3-10141965-C-G. GRCh37 (hg19) VCF-style: chr3-10183649-C-G.
Other names: c.118C>G, p.Pro40Ala (NM_001354723.2, NM_198156.3); short protein forms P40A.
Identifiers: ClinVar variation 1006593 (VCV001006593.14), dbSNP rs776399733, ClinGen allele CA351747889.

ClinVar aggregate classification (germline): Uncertain significance. Review status: criteria provided, multiple submitters, no conflicts (2 of 4 stars). 2 submissions from 2 submitters: Uncertain significance (2). Last evaluated 2024-05-12.

Conditions:
Hereditary cancer-predisposing syndrome. Also called: Hereditary neoplastic syndrome; Neoplastic Syndromes, Hereditary; Tumor predisposition; Hereditary Cancer Syndrome. Identifiers: Orphanet 140162, MedGen C0027672, MeSH D009386, MONDO:0015356.
Chuvash polycythemia. Also called: POLYCYTHEMIA, VHL-DEPENDENT. Identifiers: Orphanet 238557, MedGen C1837915, MONDO:0009892, OMIM 263400.
Von Hippel-Lindau syndrome (VHLS). Also called: von Hippel–Lindau syndrome; Von Hippel-Lindau; VHL syndrome. Identifiers: Orphanet 892, MedGen C0019562, MONDO:0008667, OMIM 193300. Disease mechanism: loss of function.

gnomAD v4.1: 1 of 1,553,930 alleles (0.000064%); no homozygotes.

Submissions (2):

Ambry Genetics
Classification: Uncertain significance for Hereditary cancer-predisposing syndrome. Last evaluated: 2024-05-12. Review status: criteria provided, single submitter. Criteria: Ambry Variant Classification Scheme 2023. Collection method: clinical testing. Allele origin: germline.
Comment: The p.P40A variant (also known as c.118C>G), located in coding exon 1 of the VHL gene, results from a C to G substitution at nucleotide position 118. The proline at codon 40 is replaced by alanine, an amino acid with highly similar properties. This amino acid position is not well conserved in available vertebrate species. In addition, this alteration is predicted to be tolerated by in silico analysis. Since supporting evidence is limited at this time, the clinical significance of this alteration remains unclear.

Labcorp Genetics (formerly Invitae), Labcorp
Classification: Uncertain significance for Von Hippel-Lindau syndrome; Chuvash polycythemia. Last evaluated: 2024-02-20. Review status: criteria provided, single submitter. Criteria: Invitae Variant Classification Sherloc (09022015). Collection method: clinical testing. Allele origin: germline.
Comment: This sequence change replaces proline, which is neutral and non-polar, with alanine, which is neutral and non-polar, at codon 40 of the VHL protein (p.Pro40Ala). This variant is not present in population databases (gnomAD no frequency). This variant has not been reported in the literature in individuals affected with VHL-related conditions. ClinVar contains an entry for this variant (Variation ID: 1006593). Advanced modeling of protein sequence and biophysical properties (such as structural, functional, and spatial information, amino acid conservation, physicochemical variation, residue mobility, and thermodynamic stability) performed at Invitae indicates that this missense variant is not expected to disrupt VHL protein function with a negative predictive value of 95%. In summary, the available evidence is currently insufficient to determine the role of this variant in disease. Therefore, it has been classified as a Variant of Uncertain Significance.